The following is an entry in ClinVar:

NM_152383.5(DIS3L2):c.1453A>C (p.Ile485Leu)

Gene: DIS3L2 (DIS3 like 3'-5' exoribonuclease 2; plus strand). Cytogenetic location: 2q37.1.
Variant type: single nucleotide variant.
Coding change: c.1453A>C on transcript NM_152383.5 (MANE Select); coding-DNA position 1453, A replaced by C.
Protein change: p.Ile485Leu; replaces isoleucine 485 with leucine.
Molecular consequence: missense variant. On other transcripts: non-coding transcript variant (2).
Genome position (GRCh38, 1-based): chr2:232,263,234, A>C. VCF-style: chr2-232263234-A-C. GRCh37 (hg19) VCF-style: chr2-233127944-A-C.
Other names: c.1453A>C, p.Ile485Leu (NM_001257281.2); short protein forms I485L.
Identifiers: ClinVar variation 1414007 (VCV001414007.6), dbSNP rs910381841, ClinGen allele CA350975195.

ClinVar aggregate classification (germline): Uncertain significance (1 of 4 stars; one submission).

Conditions:
Perlman syndrome (PRLMNS). Identifiers: Orphanet 2849, MedGen C0796113, MONDO:0009965, OMIM 267000.

Submission:

Labcorp Genetics (formerly Invitae), Labcorp
Classification: Uncertain significance for Perlman syndrome. Last evaluated: 2024-01-25. Review status: criteria provided, single submitter. Criteria: Invitae Variant Classification Sherloc (09022015). Collection method: clinical testing. Allele origin: germline.
Comment: This sequence change replaces isoleucine, which is neutral and non-polar, with leucine, which is neutral and non-polar, at codon 485 of the DIS3L2 protein (p.Ile485Leu). This variant is present in population databases (no rsID available, gnomAD 0.003%). This variant has not been reported in the literature in individuals affected with DIS3L2-related conditions. ClinVar contains an entry for this variant (Variation ID: 1414007). Advanced modeling of protein sequence and biophysical properties (such as structural, functional, and spatial information, amino acid conservation, physicochemical variation, residue mobility, and thermodynamic stability) performed at Invitae indicates that this missense variant is not expected to disrupt DIS3L2 protein function with a negative predictive value of 80%. In summary, the available evidence is currently insufficient to determine the role of this variant in disease. Therefore, it has been classified as a Variant of Uncertain Significance.